The following is an entry in ClinVar:

ClinVar aggregate classification (germline): Likely benign. Review status: criteria provided, multiple submitters, no conflicts (2 of 4 stars). 2 submissions from 2 submitters: Likely benign (2). Last evaluated 2025-06-01.

Allele frequency attached by ClinVar (database versions not stated): gnomAD exomes below 0.00001.
gnomAD v4.1: 6 of 1,614,156 alleles (0.00037%); highest among the groups gnomAD compares: Non-Finnish European, 0.00025%; no homozygotes.

Submissions (2):

CeGaT Center for Human Genetics Tuebingen
Classification: Likely benign. Last evaluated: 2025-06-01. Review status: criteria provided, single submitter. Criteria: CeGaT Center For Human Genetics Tuebingen Variant Classification Criteria Version 2. Collection method: clinical testing. Allele origin: germline. Affected: yes. Observed: 1 variant allele.
Comment: ABCB4: BP4, BP7

Labcorp Genetics (formerly Invitae), Labcorp
Classification: Likely benign. Last evaluated: 2023-09-29. Review status: criteria provided, single submitter. Criteria: Invitae Variant Classification Sherloc (09022015). Collection method: clinical testing. Allele origin: germline.

NM_000443.4(ABCB4):c.2580A>G (p.Leu860=)

Gene: ABCB4 (ATP binding cassette subfamily B member 4; minus strand). Cytogenetic location: 7q21.12.
Variant type: single nucleotide variant.
Coding change: c.2580A>G on transcript NM_000443.4 (MANE Select); coding-DNA position 2580, A replaced by G.
Protein change: p.Leu860=; no amino-acid change (leucine 860 retained).
Molecular consequence: synonymous variant.
Genome position (GRCh38, 1-based): chr7:87,417,414, T>C on the plus strand (A>G on the coding strand, the complement: ABCB4 is on the minus strand). VCF-style: chr7-87417414-T-C. GRCh37 (hg19) VCF-style: chr7-87046730-T-C.
Other names: c.2580A>G, p.Leu860= (NM_018849.3, NM_018850.3).
Identifiers: ClinVar variation 2970812 (VCV002970812.11), dbSNP rs1178619531, ClinGen allele CA456358467.
Genomic context (GRCh38, chr7:87,417,414, plus strand): 5'-TCCAGCCAACAATTTCATTTCAACAATTCCTGACACAGCAATAATTGGAACAACTGCTAA[T>C]AGCAATAGGGTTAACTGCCAACCGTAGATAAATGATATGATAATACCAGTTCCAAGGTTA-3'
Protein context (NP_000434.1, residues 850-870): FIYGWQLTLL[Leu860=]LAVVPIIAVS